The following is an entry in ClinVar:

NM_001080.3(ALDH5A1):c.307C>G (p.Arg103Gly)

Genes: ALDH5A1 (aldehyde dehydrogenase 5 family member A1; plus strand), LOC129995978 (ATAC-STARR-seq lymphoblastoid silent region 16989; plus strand). Cytogenetic location: 6p22.3.
Variant type: single nucleotide variant.
Coding change: c.307C>G on transcript NM_001080.3 (MANE Select); coding-DNA position 307, C replaced by G.
Protein change: p.Arg103Gly; replaces arginine 103 with glycine.
Molecular consequence: missense variant.
Genome position (GRCh38, 1-based): chr6:24,495,303, C>G. VCF-style: chr6-24495303-C-G. GRCh37 (hg19) VCF-style: chr6-24495531-C-G.
Other names: c.307C>G, p.Arg103Gly (NM_001368954.1, NM_170740.1); short protein forms R103G.
Identifiers: ClinVar variation 2129355 (VCV002129355.4), dbSNP rs952921207, ClinGen allele CA362968646.

ClinVar aggregate classification (germline): Uncertain significance (1 of 4 stars; one submission).

Conditions:
Succinate-semialdehyde dehydrogenase deficiency (SSADHD). Also called: 4-HYDROXYBUTYRIC ACIDURIA; Succinic Semialdehyde Dehydrogenase Deficiency; GABA METABOLIC DEFECT; SSADH DEFICIENCY. Identifiers: Orphanet 22, MedGen C0268631, MONDO:0010083, OMIM 271980.

gnomAD v4.1: 1 of 1,533,228 alleles (0.000065%); highest among the groups gnomAD compares: East Asian, 0.0024%; no homozygotes.

Submission:

Labcorp Genetics (formerly Invitae), Labcorp
Classification: Uncertain significance for Succinate-semialdehyde dehydrogenase deficiency. Last evaluated: 2022-04-22. Review status: criteria provided, single submitter. Criteria: Invitae Variant Classification Sherloc (09022015). Collection method: clinical testing. Allele origin: germline.
Comment: In summary, the available evidence is currently insufficient to determine the role of this variant in disease. Therefore, it has been classified as a Variant of Uncertain Significance. Advanced modeling of protein sequence and biophysical properties (such as structural, functional, and spatial information, amino acid conservation, physicochemical variation, residue mobility, and thermodynamic stability) performed at Invitae indicates that this missense variant is not expected to disrupt ALDH5A1 protein function. This variant has not been reported in the literature in individuals affected with ALDH5A1-related conditions. This variant is not present in population databases (gnomAD no frequency). This sequence change replaces arginine, which is basic and polar, with glycine, which is neutral and non-polar, at codon 103 of the ALDH5A1 protein (p.Arg103Gly).